The following is an entry in ClinVar:

NM_012096.3(APPL1):c.1983+4T>C

Genes: APPL1 (adaptor protein, phosphotyrosine interacting with PH domain and leucine zipper 1; plus strand), ASB14 (ankyrin repeat and SOCS box containing 14; minus strand). Cytogenetic location: 3p14.3.
Variant type: single nucleotide variant.
Coding change: c.1983+4T>C on transcript NM_012096.3 (MANE Select); 4 bases into the intron after coding-DNA position 1983, T replaced by C.
Molecular consequence: intron variant. On other transcripts: 3 prime UTR variant (2).
Genome position (GRCh38, 1-based): chr3:57,268,491, T>C. VCF-style: chr3-57268491-T-C. GRCh37 (hg19) VCF-style: chr3-57302519-T-C.
Other names: c.*1150A>G (NM_001142733.3, NM_130387.5).
Identifiers: ClinVar variation 3339120 (VCV003339120.1).

ClinVar aggregate classification (germline): Uncertain significance (1 of 4 stars; one submission).

gnomAD v4.1: 2 of 1,601,444 alleles (0.00012%); highest among the groups gnomAD compares: Non-Finnish European, 0.00017%; no homozygotes.

Submission:

Women's Health and Genetics/Laboratory Corporation of America, LabCorp
Classification: Uncertain significance. Last evaluated: 2024-07-05. Review status: criteria provided, single submitter. Criteria: LabCorp Variant Classification Summary - May 2015. Collection method: clinical testing. Allele origin: germline.
Comment: Variant summary: APPL1 c.1983+4T>C alters a non-conserved nucleotide located close to a canonical splice site and therefore could affect mRNA splicing, leading to a significantly altered protein sequence. Consensus agreement among computation tools predict no significant impact on normal splicing. However, these predictions have yet to be confirmed by functional studies. The variant allele was found at a frequency of 4.2e-06 in 240386 control chromosomes (gnomAD). The available data on variant occurrences in the general population are insufficient to allow any conclusion about variant significance. To our knowledge, no occurrence of c.1983+4T>C in individuals affected with Maturity-Onset Diabetes Of The Young Type 14 and no experimental evidence demonstrating its impact on protein function have been reported. No submitters have cited clinical-significance assessments for this variant to ClinVar. Based on the evidence outlined above, the variant was classified as uncertain significance.